The following is an entry in ClinVar:

NM_001127649.3(PEX26):c.35T>C (p.Leu12Pro)

Gene: PEX26 (peroxisomal biogenesis factor 26; plus strand). Cytogenetic location: 22q11.21.
Variant type: single nucleotide variant.
Coding change: c.35T>C on transcript NM_001127649.3 (MANE Select); coding-DNA position 35, T replaced by C.
Protein change: p.Leu12Pro; replaces leucine 12 with proline.
Molecular consequence: missense variant.
Genome position (GRCh38, 1-based): chr22:18,078,411, T>C. VCF-style: chr22-18078411-T-C. GRCh37 (hg19) VCF-style: chr22-18561177-T-C.
Other names: c.35T>C, p.Leu12Pro (NM_001199319.2, NM_017929.6); short protein forms L12P.
Identifiers: ClinVar variation 1715343 (VCV001715343.5), dbSNP rs1476091565, ClinGen allele CA410264140.

ClinVar aggregate classification (germline): Uncertain significance (1 of 4 stars; one submission).

Conditions:
Peroxisome biogenesis disorder 7A (Zellweger). Also called: Peroxisome biogenesis disorder 7A. Identifiers: Orphanet 912, MedGen C3888385, MONDO:0013938, OMIM 614872.
Peroxisome biogenesis disorder 7B (PBD7B). Identifiers: Orphanet 44, MedGen C3553951, MONDO:0013939, OMIM 614873.

gnomAD v4.1: 8 of 1,594,422 alleles (0.0005%); highest among the groups gnomAD compares: East Asian, 0.018%; no homozygotes.

Submission:

Labcorp Genetics (formerly Invitae), Labcorp
Classification: Uncertain significance for Peroxisome biogenesis disorder 7A (Zellweger); Peroxisome biogenesis disorder 7B. Last evaluated: 2025-10-13. Review status: criteria provided, single submitter. Criteria: Invitae Variant Classification Sherloc (09022015). Collection method: clinical testing. Allele origin: germline.
Comment: This sequence change replaces leucine, which is neutral and non-polar, with proline, which is neutral and non-polar, at codon 12 of the PEX26 protein (p.Leu12Pro). This variant is not present in population databases (gnomAD no frequency). This variant has not been reported in the literature in individuals affected with PEX26-related conditions. ClinVar contains an entry for this variant (Variation ID: 1715343). Invitae Evidence Modeling of protein sequence and biophysical properties (such as structural, functional, and spatial information, amino acid conservation, physicochemical variation, residue mobility, and thermodynamic stability) indicates that this missense variant is not expected to disrupt PEX26 protein function with a negative predictive value of 95%. In summary, the available evidence is currently insufficient to determine the role of this variant in disease. Therefore, it has been classified as a Variant of Uncertain Significance.